The following is an entry in ClinVar:

NM_017637.6(BNC2):c.1874C>A (p.Ala625Asp)

Genes: BNC2 (basonuclin zinc finger protein 2; minus strand), LOC126860585 (MED14-independent group 3 enhancer GRCh37_chr9:16435259-16436458; plus strand). Cytogenetic location: 9p22.3.
Variant type: single nucleotide variant.
Coding change: c.1874C>A on transcript NM_017637.6 (MANE Select); coding-DNA position 1874, C replaced by A.
Protein change: p.Ala625Asp; replaces alanine 625 with aspartic acid.
Molecular consequence: missense variant.
Genome position (GRCh38, 1-based): chr9:16,436,320, G>T on the plus strand (C>A on the coding strand, the complement: BNC2 is on the minus strand). VCF-style: chr9-16436320-G-T. GRCh37 (hg19) VCF-style: chr9-16436318-G-T.
Other names: c.1748C>A, p.Ala583Asp (NM_001317939.2); c.1589C>A, p.Ala530Asp (NM_001317940.2); short protein forms A583D, A530D, A625D.
Identifiers: ClinVar variation 2851406 (VCV002851406.3), dbSNP rs966384737, ClinGen allele CA190342458.

ClinVar aggregate classification (germline): Uncertain significance (1 of 4 stars; one submission).

Allele frequency attached by ClinVar (database versions not stated): TOPMed 0.00001.

Submission:

Labcorp Genetics (formerly Invitae), Labcorp
Classification: Uncertain significance. Last evaluated: 2023-04-01. Review status: criteria provided, single submitter. Criteria: Invitae Variant Classification Sherloc (09022015). Collection method: clinical testing. Allele origin: germline.
Comment: In summary, the available evidence is currently insufficient to determine the role of this variant in disease. Therefore, it has been classified as a Variant of Uncertain Significance. An algorithm developed to predict the effect of missense changes on protein structure and function (PolyPhen-2) suggests that this variant is likely to be tolerated. This variant has not been reported in the literature in individuals affected with BNC2-related conditions. This variant is not present in population databases (gnomAD no frequency). This sequence change replaces alanine, which is neutral and non-polar, with aspartic acid, which is acidic and polar, at codon 625 of the BNC2 protein (p.Ala625Asp).